The following is an entry in ClinVar:

ClinVar aggregate classification (germline): Uncertain significance (1 of 4 stars; one submission).

Allele frequency attached by ClinVar (database versions not stated): TOPMed below 0.00001; gnomAD 0.00001; gnomAD exomes 0.00002.
gnomAD v4.1: 27 of 1,606,562 alleles (0.0017%); highest among the groups gnomAD compares: Non-Finnish European, 0.0022%; no homozygotes.

Submission:

Labcorp Genetics (formerly Invitae), Labcorp
Classification: Uncertain significance. Last evaluated: 2022-05-29. Review status: criteria provided, single submitter. Criteria: Invitae Variant Classification Sherloc (09022015). Collection method: clinical testing. Allele origin: germline.
Comment: This sequence change falls in intron 3 of the CIB1 gene. It does not directly change the encoded amino acid sequence of the CIB1 protein. It affects a nucleotide within the consensus splice site. This variant is not present in population databases (gnomAD no frequency). This variant has not been reported in the literature in individuals affected with CIB1-related conditions. Variants that disrupt the consensus splice site are a relatively common cause of aberrant splicing (PMID: 17576681, 9536098). Algorithms developed to predict the effect of sequence changes on RNA splicing suggest that this variant is not likely to affect RNA splicing. In summary, the available evidence is currently insufficient to determine the role of this variant in disease. Therefore, it has been classified as a Variant of Uncertain Significance.

Literature cited by the submitters: PubMed 17576681; PubMed 9536098.

NM_006384.4(CIB1):c.195+4C>G

Gene: CIB1 (calcium and integrin binding 1; minus strand). Cytogenetic location: 15q26.1.
Variant type: single nucleotide variant.
Coding change: c.195+4C>G on transcript NM_006384.4 (MANE Select); 4 bases into the intron after coding-DNA position 195, C replaced by G.
Molecular consequence: intron variant.
Genome position (GRCh38, 1-based): chr15:90,232,215, G>C on the plus strand (C>G on the coding strand, the complement: CIB1 is on the minus strand). VCF-style: chr15-90232215-G-C. GRCh37 (hg19) VCF-style: chr15-90775447-G-C.
Other names: c.315+4C>G (NM_001277764.2).
Identifiers: ClinVar variation 1907941 (VCV001907941.5), dbSNP rs1189829549, ClinGen allele CA716982632.